The following is an entry in ClinVar:

NM_205861.3(DHDDS):c.545A>G (p.Asp182Gly)

Gene: DHDDS (dehydrodolichyl diphosphate synthase subunit; plus strand). Cytogenetic location: 1p36.11.
Variant type: single nucleotide variant.
Coding change: c.545A>G on transcript NM_205861.3 (MANE Select); coding-DNA position 545, A replaced by G.
Protein change: p.Asp182Gly; replaces aspartic acid 182 with glycine.
Molecular consequence: missense variant.
Genome position (GRCh38, 1-based): chr1:26,457,793, A>G. VCF-style: chr1-26457793-A-G. GRCh37 (hg19) VCF-style: chr1-26784284-A-G.
Other names: c.443A>G, p.Asp148Gly (NM_001243564.2); c.428A>G, p.Asp143Gly (NM_001243565.2); c.266A>G, p.Asp89Gly (NM_001319959.2); c.545A>G, p.Asp182Gly (NM_024887.4); c.545A>G (NM_024887.3); short protein forms D148G, D182G, D143G, D89G.
Identifiers: ClinVar variation 3692606 (VCV003692606.3).
Genomic context (GRCh38, chr1:26,457,793, plus strand): 5'-ACAGAAAGAGAATACTACAGGATGTGTGCCTCTCTTTGTCTCTTCTTGCTCATCTTAGTG[A>G]TATCTCTGAGTCTCTGCTTGATAAGTGCCTCTATACCAACCGCTCTCCTCATCCTGACAT-3'
Protein context (NP_995583.1, residues 172-192): GVEQGLLDPS[Asp182Gly]ISESLLDKCL

ClinVar aggregate classification (germline): Uncertain significance. Review status: criteria provided, multiple submitters, no conflicts (2 of 4 stars). 2 submissions from 2 submitters: Uncertain significance (2). Last evaluated 2024-09-19.

Conditions:
Retinitis pigmentosa 59 (RP59). Identifiers: Orphanet 791, MedGen C3151227, MONDO:0013468, OMIM 613861.

gnomAD v4.1: 1 of 1,608,266 alleles (0.000062%); highest among the groups gnomAD compares: Non-Finnish European, 0.000085%; no homozygotes.

Submissions (2):

GeneDx
Classification: Uncertain significance. Last evaluated: 2024-09-19. Review status: criteria provided, single submitter. Criteria: GeneDx Variant Classification Process June 2021. Collection method: clinical testing. Allele origin: germline. Affected: yes.
Comment: Not observed at significant frequency in large population cohorts (gnomAD); In silico analysis supports that this missense variant has a deleterious effect on protein structure/function; Has not been previously published as pathogenic or benign to our knowledge

Labcorp Genetics (formerly Invitae), Labcorp
Classification: Uncertain significance for Retinitis pigmentosa 59. Last evaluated: 2024-06-24. Review status: criteria provided, single submitter. Criteria: Invitae Variant Classification Sherloc (09022015). Collection method: clinical testing. Allele origin: germline.
Comment: This sequence change replaces aspartic acid, which is acidic and polar, with glycine, which is neutral and non-polar, at codon 182 of the DHDDS protein (p.Asp182Gly). This variant is not present in population databases (gnomAD no frequency). This variant has not been reported in the literature in individuals affected with DHDDS-related conditions. An algorithm developed to predict the effect of missense changes on protein structure and function (PolyPhen-2) suggests that this variant is likely to be disruptive. In summary, the available evidence is currently insufficient to determine the role of this variant in disease. Therefore, it has been classified as a Variant of Uncertain Significance.